The following is an entry in ClinVar:

ClinVar aggregate classification (germline): Uncertain significance (1 of 4 stars; one submission).

gnomAD v4.1: 2 of 1,614,078 alleles (0.00012%); highest among the groups gnomAD compares: Admixed American, 0.0033%; no homozygotes.

Submission:

Women's Health and Genetics/Laboratory Corporation of America, LabCorp
Classification: Uncertain significance. Last evaluated: 2024-12-30. Review status: criteria provided, single submitter. Criteria: LabCorp Variant Classification Summary - May 2015. Collection method: clinical testing. Allele origin: germline.
Comment: Variant summary: COL5A1 c.2738G>C (p.Gly913Ala) results in a non-conservative amino acid change in the encoded protein sequence. Four of five in-silico tools predict a damaging effect of the variant on protein function. The variant allele was found at a frequency of 4e-06 in 251076 control chromosomes. The available data on variant occurrences in the general population are insufficient to allow any conclusion about variant significance. To our knowledge, no occurrence of c.2738G>C in individuals affected with Ehlers-Danlos syndrome, classic type, Ehlers-Danlos syndrome, classic type, 1 and no experimental evidence demonstrating its impact on protein function have been reported. No submitters have cited clinical-significance assessments for this variant to ClinVar. Based on the evidence outlined above, the variant was classified as uncertain significance.

NM_000093.5(COL5A1):c.2738G>C (p.Gly913Ala)

Gene: COL5A1 (collagen type V alpha 1 chain; plus strand). Cytogenetic location: 9q34.3.
Variant type: single nucleotide variant.
Coding change: c.2738G>C on transcript NM_000093.5 (MANE Select); coding-DNA position 2738, G replaced by C.
Protein change: p.Gly913Ala; replaces glycine 913 with alanine.
Molecular consequence: missense variant.
Genome position (GRCh38, 1-based): chr9:134,795,119, G>C. VCF-style: chr9-134795119-G-C. GRCh37 (hg19) VCF-style: chr9-137686965-G-C.
Other names: c.2738G>C, p.Gly913Ala (NM_001278074.1); short protein forms G913A.
Identifiers: ClinVar variation 3768554 (VCV003768554.1).